The following is an entry in ClinVar:

NM_001378030.1(CCDC78):c.1178G>C (p.Arg393Pro)

Gene: CCDC78 (coiled-coil domain containing 78; minus strand). Cytogenetic location: 16p13.3.
Variant type: single nucleotide variant.
Coding change: c.1178G>C on transcript NM_001378030.1 (MANE Select); coding-DNA position 1178, G replaced by C.
Protein change: p.Arg393Pro; replaces arginine 393 with proline.
Molecular consequence: missense variant. On other transcripts: non-coding transcript variant (5).
Genome position (GRCh38, 1-based): chr16:723,117, C>G on the plus strand (G>C on the coding strand, the complement: CCDC78 is on the minus strand). VCF-style: chr16-723117-C-G. GRCh37 (hg19) VCF-style: chr16-773117-C-G.
Other names: c.1178G>C, p.Arg393Pro (NM_001031737.3); c.998G>C, p.Arg333Pro (NM_001378031.1); c.611G>C, p.Arg204Pro (NM_001378033.1); short protein forms R393P, R204P, R333P.
Identifiers: ClinVar variation 962591 (VCV000962591.9), dbSNP rs376513788, ClinGen allele CA394097911.

ClinVar aggregate classification (germline): Uncertain significance (1 of 4 stars; one submission).

Conditions:
Congenital myopathy with internal nuclei and atypical cores. Also called: Myopathy, centronuclear, 4. Identifiers: Orphanet 319160, MedGen C4707232, MONDO:0013890, OMIM 614807.

gnomAD v4.1: 5 of 1,612,708 alleles (0.00031%); highest among the groups gnomAD compares: Middle Eastern, 0.016%; no homozygotes.

Submission:

Labcorp Genetics (formerly Invitae), Labcorp
Classification: Uncertain significance for Congenital myopathy with internal nuclei and atypical cores. Last evaluated: 2022-09-06. Review status: criteria provided, single submitter. Criteria: Invitae Variant Classification Sherloc (09022015). Collection method: clinical testing. Allele origin: germline.
Comment: ClinVar contains an entry for this variant (Variation ID: 962591). In summary, the available evidence is currently insufficient to determine the role of this variant in disease. Therefore, it has been classified as a Variant of Uncertain Significance. Algorithms developed to predict the effect of missense changes on protein structure and function are either unavailable or do not agree on the potential impact of this missense change (SIFT: "Deleterious"; PolyPhen-2: "Possibly Damaging"; Align-GVGD: "Class C0"). This variant has not been reported in the literature in individuals affected with CCDC78-related conditions. This variant is not present in population databases (gnomAD no frequency). This sequence change replaces arginine, which is basic and polar, with proline, which is neutral and non-polar, at codon 393 of the CCDC78 protein (p.Arg393Pro).